The following is an entry in ClinVar:

ClinVar aggregate classification (germline): Benign/Likely benign. Review status: criteria provided, multiple submitters, no conflicts (2 of 4 stars). 12 submissions from 12 submitters: Benign (4); Likely benign (5). 3 of the submissions do not count toward it. Last evaluated 2026-01-25.

Conditions:
Inborn genetic diseases. Identifiers: MedGen C0950123, MeSH D030342.
Neuronal ceroid lipofuscinosis. Also called: Neuronal Ceroid Lipofuscinoses. Identifiers: Orphanet 216, Orphanet 79263, MedGen C0027877, MONDO:0016295. Disease mechanism: loss of function.
Neuronal ceroid lipofuscinosis 5 (CLN5). Also called: Neuronal ceroid lipofuscinosis Finnish variant; NEURONAL CEROID LIPOFUSCINOSIS, LATE INFANTILE, FINNISH VARIANT; CLN5-Related Neuronal Ceroid-Lipofuscinosis; CEROID LIPOFUSCINOSIS, NEURONAL, 5, VARIABLE AGE AT ONSET. Identifiers: Orphanet 168491, Orphanet 228360, MedGen C1850442, MONDO:0009745, OMIM 256731.

Allele frequency attached by ClinVar (database versions not stated): ESP Exome Variant Server 0.00104; gnomAD 0.00198 and 0.00208; TOPMed 0.00201; 1000 Genomes Project 30x 0.00234; 1000 Genomes Project 0.00260.

Submissions (12):

Labcorp Genetics (formerly Invitae), Labcorp
Classification: Benign for Neuronal ceroid lipofuscinosis. Last evaluated: 2026-01-25. Review status: criteria provided, single submitter. Criteria: Invitae Variant Classification Sherloc (09022015). Collection method: clinical testing. Allele origin: germline.

Blueprint Genetics
Classification: Likely benign. Last evaluated: 2024-09-18. Review status: criteria provided, single submitter. Criteria: ACMG Guidelines, 2015. Collection method: clinical testing. Allele origin: germline.

Genome-Nilou Lab
Classification: Benign for Neuronal ceroid lipofuscinosis 5. Last evaluated: 2021-08-10. Review status: criteria provided, single submitter. Criteria: ACMG Guidelines, 2015. Collection method: clinical testing. Allele origin: germline. Affected: no.

Athena Diagnostics
Classification: Benign. Last evaluated: 2018-11-20. Review status: criteria provided, single submitter. Criteria: Athena Diagnostics Criteria. Collection method: clinical testing. Allele origin: germline.

Ambry Genetics
Classification: Likely benign for Inborn genetic diseases. Last evaluated: 2018-07-10. Review status: criteria provided, single submitter. Criteria: Ambry Variant Classification Scheme 2023. Collection method: clinical testing. Allele origin: germline.

Illumina Laboratory Services, Illumina
Classification: Likely benign for Neuronal ceroid lipofuscinosis 5. Last evaluated: 2018-01-13. Review status: criteria provided, single submitter. Criteria: ICSL Variant Classification Criteria 13 December 2019. Collection method: clinical testing. Allele origin: germline.
Comment: This variant was observed in the ICSL laboratory as part of a predisposition screen in an ostensibly healthy population. It had not been previously curated by ICSL or reported in the Human Gene Mutation Database (HGMD: prior to June 1st, 2018), and was therefore a candidate for classification through an automated scoring system. Utilizing variant allele frequency, disease prevalence and penetrance estimates, and inheritance mode, an automated score was calculated to assess if this variant is too frequent to cause the disease. Based on the score and internal cut-off values, a variant classified as likely benign is not then subjected to further curation. The score for this variant resulted in a classification of likely benign for this disease.

GeneDx
Classification: Likely benign. Last evaluated: 2017-10-19. Review status: criteria provided, single submitter. Criteria: GeneDx Variant Classification (06012015). Collection method: clinical testing. Allele origin: germline. Affected: yes.
Comment: This variant is considered likely benign or benign based on one or more of the following criteria: it is a conservative change, it occurs at a poorly conserved position in the protein, it is predicted to be benign by multiple in silico algorithms, and/or has population frequency not consistent with disease.

Center for Pediatric Genomic Medicine, Children's Mercy Hospital and Clinics
Classification: Likely benign. Last evaluated: 2017-05-03. Review status: criteria provided, single submitter. Criteria: ACMG Guidelines, 2015. Collection method: clinical testing. Allele origin: germline.

Eurofins Ntd Llc (ga)
Classification: Benign. Last evaluated: 2017-01-08. Review status: criteria provided, single submitter. Criteria: EGL Classification Definitions 2015. Collection method: clinical testing. Allele origin: germline. Observed: 1 variant allele, 1 heterozygote.

Natera, Inc.
Classification: Likely benign for Neuronal ceroid lipofuscinosis. Last evaluated: 2019-10-23. Review status: no assertion criteria provided. Collection method: clinical testing. Allele origin: germline. Not counted in ClinVar's aggregate classification.

Clinical Genetics DNA and cytogenetics Diagnostics Lab, Erasmus MC, Erasmus Medical Center
Classification: Likely benign. Review status: no assertion criteria provided. Collection method: clinical testing. Allele origin: germline. Affected: yes. Study: VKGL Data-share Consensus. Not counted in ClinVar's aggregate classification.

Genome Diagnostics Laboratory, Amsterdam University Medical Center
Classification: Likely benign. Review status: no assertion criteria provided. Collection method: clinical testing. Allele origin: germline. Affected: yes. Study: VKGL Data-share Consensus. Not counted in ClinVar's aggregate classification.

NM_006493.4(CLN5):c.-99G>C

Gene: CLN5 (CLN5 lysosomal BMP synthase; plus strand). Cytogenetic location: 13q22.3.
Variant type: single nucleotide variant.
Coding change: c.-99G>C on transcript NM_006493.4 (MANE Select); 99 bases upstream of the start codon, G replaced by C.
Genome position (GRCh38, 1-based): chr13:76,992,000, G>C. VCF-style: chr13-76992000-G-C. GRCh37 (hg19) VCF-style: chr13-77566135-G-C.
Other names: p.G17R:GGG>CGG.
Identifiers: ClinVar variation 205123 (VCV000205123.34), dbSNP rs202118652, ClinGen allele CA313855.
Genomic context (GRCh38, chr13:76,992,000, plus strand): 5'-CGGGGAGGTGTCATGCGCCGGAACCTGCGCTTGGGGCCAAGCTCTGGAGCTGACGCGCAG[G>C]GGCAAGGCGCCCCGCGTCCCGGACTGGCGGCTCCGCGCATGCTCCTCCCACCGGCGTCGC-3'